The following is an entry in ClinVar:

ClinVar aggregate classification (germline): Likely pathogenic (1 of 4 stars; one submission).

Conditions:
ARFGEF1-related disorder. Also called: ARFGEF1-related condition.

Submission:

PreventionGenetics, part of Exact Sciences
Classification: Likely pathogenic for ARFGEF1-related condition. Last evaluated: 2026-05-07. Review status: criteria provided, single submitter. Criteria: ACMG Guidelines, 2015. Collection method: clinical testing. Allele origin: germline.
Comment: The ARFGEF1 c.1367C>G variant is predicted to result in premature protein termination (p.Ser456*). To our knowledge, this variant has not been reported in the literature or in a large population database (gnomAD), indicating this variant is rare. Nonsense variants in ARFGEF1 are expected to be pathogenic. This variant is interpreted as likely pathogenic.

NM_006421.5(ARFGEF1):c.1367C>G (p.Ser456Ter)

Gene: ARFGEF1 (ARF guanine nucleotide exchange factor 1; minus strand). Cytogenetic location: 8q13.2.
Variant type: single nucleotide variant.
Coding change: c.1367C>G on transcript NM_006421.5 (MANE Select); coding-DNA position 1367, C replaced by G.
Protein change: p.Ser456Ter; replaces serine 456 with a stop codon.
Molecular consequence: nonsense. On other transcripts: 5 prime UTR variant (1), non-coding transcript variant (1).
Genome position (GRCh38, 1-based): chr8:67,271,907, G>C on the plus strand (C>G on the coding strand, the complement: ARFGEF1 is on the minus strand). VCF-style: chr8-67271907-G-C. GRCh37 (hg19) VCF-style: chr8-68184142-G-C.
Other names: c.1367C>G, p.Ser456Ter (NM_001413184.1, NM_001413185.1, NM_001413186.1 and 7 more transcripts); c.767C>G, p.Ser256Ter (NM_001413188.1, NM_001413193.1, NM_001413197.1); c.-59C>G (NM_001413196.1); short protein forms S456*, S256*.
Identifiers: ClinVar variation 4992473 (VCV004992473.1).